The following is an entry in ClinVar:

ClinVar aggregate classification (germline): Uncertain significance (1 of 4 stars; one submission).

Conditions:
Familial infantile myasthenia (CMS6). Also called: MYASTHENIC SYNDROME, CONGENITAL, 6, PRESYNAPTIC; MYASTHENIC SYNDROME, PRESYNAPTIC, CONGENITAL, ASSOCIATED WITH EPISODIC APNEA; Congenital myasthenic syndrome type 6. Identifiers: Orphanet 590, MedGen C0393929, MONDO:0009689, OMIM 254210.

Allele frequency attached by ClinVar (database versions not stated): gnomAD exomes below 0.00001 and 0.00001.
gnomAD v4.1: 2 of 1,614,220 alleles (0.00012%); highest among the groups gnomAD compares: Admixed American, 0.0033%; no homozygotes.

Submission:

Baylor Genetics
Classification: Uncertain significance for Familial infantile myasthenia. Last evaluated: 2018-03-22. Review status: criteria provided, single submitter. Criteria: ACMG Guidelines, 2015. Collection method: clinical testing. Allele origin: paternal. Affected: yes.
Comment: This variant was determined to be of uncertain significance according to ACMG Guidelines, 2015 [PMID:25741868].

NM_020549.5(CHAT):c.1169T>A (p.Leu390Gln)

Gene: CHAT (choline O-acetyltransferase; plus strand). Cytogenetic location: 10q11.23.
Variant type: single nucleotide variant.
Coding change: c.1169T>A on transcript NM_020549.5 (MANE Select); coding-DNA position 1169, T replaced by A.
Protein change: p.Leu390Gln; replaces leucine 390 with glutamine.
Molecular consequence: missense variant.
Genome position (GRCh38, 1-based): chr10:49,646,562, T>A. VCF-style: chr10-49646562-T-A. GRCh37 (hg19) VCF-style: chr10-50854608-T-A.
Other names: c.815T>A, p.Leu272Gln (NM_001142929.2, NM_001142934.2, NM_020984.4 and 2 more transcripts); c.923T>A, p.Leu308Gln (NM_001142933.2); short protein forms L272Q, L390Q, L308Q.
Identifiers: ClinVar variation 1033537 (VCV001033537.1), dbSNP rs1049061686, ClinGen allele CA206637032.